The following is an entry in ClinVar:

NM_005045.4(RELN):c.2705T>G (p.Phe902Cys)

Gene: RELN (reelin; minus strand). Cytogenetic location: 7q22.1.
Variant type: single nucleotide variant.
Coding change: c.2705T>G on transcript NM_005045.4 (MANE Select); coding-DNA position 2705, T replaced by G.
Protein change: p.Phe902Cys; replaces phenylalanine 902 with cysteine.
Molecular consequence: missense variant.
Genome position (GRCh38, 1-based): chr7:103,611,801, A>C on the plus strand (T>G on the coding strand, the complement: RELN is on the minus strand). VCF-style: chr7-103611801-A-C. GRCh37 (hg19) VCF-style: chr7-103252248-A-C.
Other names: c.2705T>G, p.Phe902Cys (NM_173054.3); short protein forms F902C.
Identifiers: ClinVar variation 3759546 (VCV003759546.2).

ClinVar aggregate classification (germline): Uncertain significance (1 of 4 stars; one submission).

Conditions:
Norman-Roberts syndrome (LIS2). Also called: Lissencephaly 2 (Norman-Roberts type). Identifiers: Orphanet 89844, MedGen C0796089, MONDO:0009760, OMIM 257320.
Familial temporal lobe epilepsy 7. Identifiers: Orphanet 101046, MedGen C4225327, MONDO:0014639, OMIM 616436.

Submission:

Labcorp Genetics (formerly Invitae), Labcorp
Classification: Uncertain significance for Familial temporal lobe epilepsy 7; Norman-Roberts syndrome. Last evaluated: 2024-03-21. Review status: criteria provided, single submitter. Criteria: Invitae Variant Classification Sherloc (09022015). Collection method: clinical testing. Allele origin: germline.
Comment: This sequence change replaces phenylalanine, which is neutral and non-polar, with cysteine, which is neutral and slightly polar, at codon 902 of the RELN protein (p.Phe902Cys). This variant is not present in population databases (gnomAD no frequency). This variant has not been reported in the literature in individuals affected with RELN-related conditions. An algorithm developed to predict the effect of missense changes on protein structure and function (PolyPhen-2) suggests that this variant is likely to be disruptive. In summary, the available evidence is currently insufficient to determine the role of this variant in disease. Therefore, it has been classified as a Variant of Uncertain Significance.